The following is an entry in ClinVar:

ClinVar aggregate classification (germline): Uncertain significance. Review status: criteria provided, multiple submitters, no conflicts (2 of 4 stars). 3 submissions from 3 submitters: Uncertain significance (2). 1 of the submissions does not count toward it. Last evaluated 2022-03-02.

Conditions:
TRIM32-related disorder. Also called: TRIM32-related condition.
Bardet-Biedl syndrome (BBS). Identifiers: Orphanet 110, MedGen C0752166, MONDO:0015229.

Allele frequency attached by ClinVar (database versions not stated): gnomAD exomes 0.00001.
gnomAD v4.1: 11 of 1,614,108 alleles (0.00068%); highest among the groups gnomAD compares: South Asian, 0.0033%; no homozygotes.

Submissions (3):

Labcorp Genetics (formerly Invitae), Labcorp
Classification: Uncertain significance for Bardet-Biedl syndrome. Last evaluated: 2022-03-02. Review status: criteria provided, single submitter. Criteria: Invitae Variant Classification Sherloc (09022015). Collection method: clinical testing. Allele origin: germline.
Comment: This sequence change replaces arginine, which is basic and polar, with tryptophan, which is neutral and slightly polar, at codon 15 of the TRIM32 protein (p.Arg15Trp). This variant is present in population databases (no rsID available, gnomAD 0.003%). This variant has not been reported in the literature in individuals affected with TRIM32-related conditions. ClinVar contains an entry for this variant (Variation ID: 653096). Algorithms developed to predict the effect of missense changes on protein structure and function (SIFT, PolyPhen-2, Align-GVGD) all suggest that this variant is likely to be disruptive. In summary, the available evidence is currently insufficient to determine the role of this variant in disease. Therefore, it has been classified as a Variant of Uncertain Significance.

Revvity Omics, Revvity
Classification: Uncertain significance. Last evaluated: 2021-09-08. Review status: criteria provided, single submitter. Criteria: ACMG Guidelines, 2015. Collection method: clinical testing. Allele origin: germline.

PreventionGenetics, part of Exact Sciences
Classification: Uncertain significance for TRIM32-related condition. Last evaluated: 2024-05-02. Review status: no assertion criteria provided. Collection method: clinical testing. Allele origin: germline. Not counted in ClinVar's aggregate classification.
Comment: The TRIM32 c.43C>T variant is predicted to result in the amino acid substitution p.Arg15Trp. To our knowledge, this variant has not been reported in the literature. This variant is reported in 0.0033% of alleles in individuals of South Asian descent in gnomAD. At this time, the clinical significance of this variant is uncertain due to the absence of conclusive functional and genetic evidence.

NM_012210.4(TRIM32):c.43C>T (p.Arg15Trp)

Genes: ASTN2 (astrotactin 2; minus strand), TRIM32 (tripartite motif containing 32; plus strand). Cytogenetic location: 9q33.1.
Variant type: single nucleotide variant.
Coding change: c.43C>T on transcript NM_012210.4 (MANE Select); coding-DNA position 43, C replaced by T.
Protein change: p.Arg15Trp; replaces arginine 15 with tryptophan.
Molecular consequence: missense variant. On other transcripts: intron variant (3).
Genome position (GRCh38, 1-based): chr9:116,697,785, C>T. VCF-style: chr9-116697785-C-T. GRCh37 (hg19) VCF-style: chr9-119460064-C-T.
Other names: c.43C>T, p.Arg15Trp (NM_001099679.2, NM_001379048.1, NM_001379049.1 and 1 more transcripts); c.2653+27986G>A (NM_014010.5); c.2794+27986G>A (NM_001365069.1); c.2806+27986G>A (NM_001365068.1); short protein forms R15W.
Identifiers: ClinVar variation 653096 (VCV000653096.11), dbSNP rs1202455552, ClinGen allele CA374647435.